The following is an entry in ClinVar:

NM_001127208.3(TET2):c.3594+5G>A

Genes: TET2 (tet methylcytosine dioxygenase 2; plus strand), TET2-AS1 (TET2 antisense RNA 1; minus strand). Cytogenetic location: 4q24.
Variant type: single nucleotide variant.
Coding change: c.3594+5G>A on transcript NM_001127208.3 (MANE Select); 5 bases into the intron after coding-DNA position 3594, G replaced by A.
Molecular consequence: intron variant.
Genome position (GRCh38, 1-based): chr4:105,242,932, G>A. VCF-style: chr4-105242932-G-A. GRCh37 (hg19) VCF-style: chr4-106164089-G-A.
Identifiers: ClinVar variation 2791877 (VCV002791877.3), dbSNP rs1560552940, ClinGen allele CA1066304405.

ClinVar aggregate classification (germline): Uncertain significance (1 of 4 stars; one submission).

Allele frequency attached by ClinVar (database versions not stated): gnomAD exomes below 0.00001.

Submission:

Labcorp Genetics (formerly Invitae), Labcorp
Classification: Uncertain significance. Last evaluated: 2025-05-26. Review status: criteria provided, single submitter. Criteria: Invitae Variant Classification Sherloc (09022015). Collection method: clinical testing. Allele origin: germline.
Comment: This sequence change falls in intron 5 of the TET2 gene. It does not directly change the encoded amino acid sequence of the TET2 protein. It affects a nucleotide within the consensus splice site. This variant is not present in population databases (gnomAD no frequency). This variant has not been reported in the literature in individuals affected with TET2-related conditions. ClinVar contains an entry for this variant (Variation ID: 2791877). Variants that disrupt the consensus splice site are a relatively common cause of aberrant splicing (PMID: 17576681, 9536098). Algorithms developed to predict the effect of sequence changes on RNA splicing suggest that this variant may disrupt the consensus splice site. In summary, the available evidence is currently insufficient to determine the role of this variant in disease. Therefore, it has been classified as a Variant of Uncertain Significance.

Literature cited by the submitters: PubMed 17576681; PubMed 9536098.